The following is an entry in ClinVar:

NM_001365276.2(TNXB):c.9631C>T (p.Arg3211Cys)

Gene: TNXB (tenascin XB; minus strand). Cytogenetic location: 6p21.33.
Variant type: single nucleotide variant.
Coding change: c.9631C>T on transcript NM_001365276.2 (MANE Select); coding-DNA position 9631, C replaced by T.
Protein change: p.Arg3211Cys; replaces arginine 3211 with cysteine.
Molecular consequence: missense variant.
Genome position (GRCh38, 1-based): chr6:32,049,396, G>A on the plus strand (C>T on the coding strand, the complement: TNXB is on the minus strand). VCF-style: chr6-32049396-G-A. GRCh37 (hg19) VCF-style: chr6-32017173-G-A.
Other names: c.9625C>T, p.Arg3209Cys (NM_019105.8); short protein forms R3209C, R3211C.
Identifiers: ClinVar variation 2499002 (VCV002499002.28), dbSNP rs41270450, ClinGen allele CA3733461.

ClinVar aggregate classification (germline): Uncertain significance (1 of 4 stars; one submission).

gnomAD v4.1: 3 of 1,612,558 alleles (0.00019%); highest among the groups gnomAD compares: South Asian, 0.0022%; no homozygotes.

Submission:

CeGaT Center for Human Genetics Tuebingen
Classification: Uncertain significance. Last evaluated: 2023-03-01. Review status: criteria provided, single submitter. Criteria: CeGaT Center For Human Genetics Tuebingen Variant Classification Criteria Version 2. Collection method: clinical testing. Allele origin: germline. Affected: yes. Observed: 1 variant allele.
Comment: TNXB: PM2, BP4